The following is an entry in ClinVar:

ClinVar aggregate classification (germline): Conflicting classifications of pathogenicity. Review status: criteria provided, conflicting classifications (1 of 4 stars). 8 submissions from 8 submitters: Uncertain significance (6); Likely benign (1). 1 of the submissions does not count toward it. Last evaluated 2026-06-01.

Conditions:
Microcephaly 4, primary, autosomal recessive. Identifiers: Orphanet 2512, MedGen C1858516, MONDO:0011437, OMIM 604321.
Inborn genetic diseases. Identifiers: MedGen C0950123, MeSH D030342.

Allele frequency attached by ClinVar (database versions not stated): 1000 Genomes Project 30x 0.00031; 1000 Genomes Project 0.00040; gnomAD 0.00045; ESP Exome Variant Server 0.00050; TOPMed 0.00050; ExAC 0.00053; gnomAD exomes 0.00066.
gnomAD v4.1: 1,343 of 1,613,968 alleles (0.083%); highest among the groups gnomAD compares: Admixed American, 0.15%; 2 homozygotes.

Submissions (8):

CeGaT Center for Human Genetics Tuebingen
Classification: Likely benign. Last evaluated: 2026-06-01. Review status: criteria provided, single submitter. Criteria: CeGaT Center For Human Genetics Tuebingen Variant Classification Criteria Version 2. Collection method: clinical testing. Allele origin: germline. Affected: yes. Observed: 1 variant allele.
Comment: KNL1: BP4

Fulgent Genetics
Classification: Uncertain significance for Microcephaly 4, primary, autosomal recessive. Last evaluated: 2021-08-14. Review status: criteria provided, single submitter. Criteria: ACMG Guidelines, 2015. Collection method: clinical testing. Allele origin: unknown.

Ambry Genetics
Classification: Uncertain significance for Inborn genetic diseases. Last evaluated: 2021-07-15. Review status: criteria provided, single submitter. Criteria: Ambry Variant Classification Scheme 2023. Collection method: clinical testing. Allele origin: germline.

GeneDx
Classification: Uncertain significance. Last evaluated: 2020-04-14. Review status: criteria provided, single submitter. Criteria: GeneDx Variant Classification Process June 2021. Collection method: clinical testing. Allele origin: germline. Affected: yes.
Comment: This variant is associated with the following publications: (PMID: 28454995)

Illumina Laboratory Services, Illumina
Classification: Uncertain significance for Microcephaly 4, primary, autosomal recessive. Last evaluated: 2018-01-13. Review status: criteria provided, single submitter. Criteria: ICSL Variant Classification Criteria 13 December 2019. Collection method: clinical testing. Allele origin: germline.

Genetic Services Laboratory, University of Chicago
Classification: Uncertain significance. Last evaluated: 2013-06-07. Review status: criteria provided, single submitter. Criteria: ACMG Guidelines, 2007. Collection method: clinical testing. Allele origin: germline. Inheritance: Autosomal recessive inheritance.

Breakthrough Genomics
Classification: Uncertain significance. Review status: criteria provided, single submitter. Criteria: ACMG Guidelines, 2015. Collection method: not provided. Allele origin: germline. Inheritance: Autosomal recessive inheritance. Affected: yes.

Biochemical Molecular Genetic Laboratory, King Abdulaziz Medical City
Classification: Likely pathogenic for Microcephaly 4, primary, autosomal recessive. Last evaluated: 2019-09-26. Review status: no assertion criteria provided. Collection method: clinical testing. Allele origin: germline. Affected: yes. Not counted in ClinVar's aggregate classification.

Literature cited by the submitters: PubMed 28454995 (cited by Ambry Genetics).

NM_144508.5(KNL1):c.2815A>T (p.Met939Leu)

Gene: KNL1 (kinetochore scaffold 1; plus strand). Cytogenetic location: 15q15.1.
Variant type: single nucleotide variant.
Coding change: c.2815A>T on transcript NM_144508.5 (MANE Select); coding-DNA position 2815, A replaced by T.
Protein change: p.Met939Leu; replaces methionine 939 with leucine.
Molecular consequence: missense variant.
Genome position (GRCh38, 1-based): chr15:40,623,079, A>T. VCF-style: chr15-40623079-A-T. GRCh37 (hg19) VCF-style: chr15-40915277-A-T.
Other names: c.2893A>T, p.Met965Leu (NM_170589.5); short protein forms M965L, M939L.
Identifiers: ClinVar variation 128579 (VCV000128579.19), dbSNP rs145740834, ClinGen allele CA230934.
Genomic context (GRCh38, chr15:40,623,079, plus strand): 5'-AGTCACACAACTGCCTTAGAATGTAAAACTGTCTCACCAGATGAAATAACTACTAGGCCT[A>T]TGGACAAAACTGTAGTGTTTGTAGATAATCATGTTGAACTAGAAATGACAGAGTCCCATA-3'
Protein context (NP_653091.3, residues 929-949): VSPDEITTRP[Met939Leu]DKTVVFVDNH